The following is an entry in ClinVar:

ClinVar aggregate classification (germline): Pathogenic/Likely pathogenic. Review status: criteria provided, multiple submitters, no conflicts (2 of 4 stars). 2 submissions from 2 submitters: Pathogenic (1); Likely pathogenic (1). Last evaluated 2025-11-26.

Conditions:
Hereditary leiomyomatosis and renal cell cancer. Also called: MULTIPLE CUTANEOUS AND UTERINE LEIOMYOMATA 1, WITH OR WITHOUT RENAL CELL CARCINOMA; Familial leiomyomatosis; LEIOMYOMA, MULTIPLE CUTANEOUS; FH tumor predisposition syndrome; Multiple cutaneous leiomyomas; Reed syndrome. Identifiers: Orphanet 523, MedGen C1708350, MONDO:0007888, OMIM 150800, HP:0007437. Disease mechanism: loss of function.

Allele frequency attached by ClinVar (database versions not stated): gnomAD 0.00001; TOPMed 0.00001.

Submissions (2):

Myriad Genetics, Inc.
Classification: Likely pathogenic for Hereditary leiomyomatosis and renal cell cancer. Last evaluated: 2025-11-26. Review status: criteria provided, single submitter. Criteria: Myriad Autosomal Dominant, Autosomal Recessive and X-Linked Classification Criteria (2023). Collection method: clinical testing. Allele origin: unknown.
Comment: This variant is considered likely pathogenic. This variant occurs within a consensus splice junction and is predicted to result in abnormal mRNA splicing of either an out-of-frame exon or an in-frame exon necessary for protein stability and/or normal function.

GeneDx
Classification: Pathogenic. Last evaluated: 2024-04-01. Review status: criteria provided, single submitter. Criteria: GeneDx Variant Classification Process June 2021. Collection method: clinical testing. Allele origin: germline. Affected: yes.
Comment: Canonical splice site variant predicted to result in an in-frame loss of the adjacent exon in a gene for which loss of function is a known mechanism of disease; Not observed at significant frequency in large population cohorts (gnomAD); Has not been previously published as pathogenic or benign to our knowledge

NM_000143.4(FH):c.1391-2del

Gene: FH (fumarate hydratase; minus strand). Cytogenetic location: 1q43.
Variant type: Deletion.
Coding change: c.1391-2del on transcript NM_000143.4 (MANE Select); the canonical splice acceptor site of the intron before coding-DNA position 1391, one base deleted (A; older notation c.1391-2delA).
Molecular consequence: splice acceptor variant.
Genome position (GRCh38, 1-based): chr1:241,497,972, T deleted on the plus strand (A on the coding strand, the reverse complement: FH is on the minus strand). VCF-style (leftmost placement, unchanged base first): chr1-241497971-CT-C. GRCh37 (hg19) VCF-style: chr1-241661271-CT-C.
Other names: c.1391-2delA (NM_000143.3).
Identifiers: ClinVar variation 421720 (VCV000421720.4), dbSNP rs1064795320, ClinGen allele CA16617113.
Genomic context (GRCh38, chr1:241,497,971, plus strand): 5'-CCTTTAAGGTTGATCCATTTTTGTGTGCTGTCTTAGCAATCTTTGCTGCCTTGTCATACC[CT>C]GAAGAAAAAATAAAAAGACGACATATGGGTTAGCAGTGATATTTGGTTTCCTAAAGCAAA-3'